The following is an entry in ClinVar:

NM_020800.3(IFT80):c.411dup (p.Met138fs)

Genes: TRIM59-IFT80 (TRIM59-IFT80 readthrough (NMD candidate); minus strand), IFT80 (intraflagellar transport 80; minus strand). Cytogenetic location: 3q25.33.
Variant type: Duplication.
Coding change: c.411dup on transcript NM_020800.3 (MANE Select); coding-DNA position 411, one base duplicated (G; older notation c.411dupG).
Protein change: p.Met138fs; shifts the reading frame from methionine 138.
Molecular consequence: frameshift variant. On other transcripts: non-coding transcript variant (2).
Genome position (GRCh38, 1-based): chr3:160,375,840, C duplicated on the plus strand (G on the coding strand, the reverse complement: IFT80 is on the minus strand); the first of 3 consecutive C bases (chr3:160,375,840-160,375,842); duplicating any one gives the same sequence. VCF-style (leftmost placement, unchanged base first): chr3-160375839-T-TC. GRCh37 (hg19) VCF-style: chr3-160093627-T-TC.
Other names: c.-1dup, p.Met1fs (NM_001190241.2, NM_001190242.2); short protein forms M138fs, M1fs.
Identifiers: ClinVar variation 1330851 (VCV001330851.12), dbSNP rs778324141, ClinGen allele CA2685497.

ClinVar aggregate classification (germline): Pathogenic/Likely pathogenic. Review status: criteria provided, multiple submitters, no conflicts (2 of 4 stars). 3 submissions from 3 submitters: Pathogenic (1); Likely pathogenic (2). Last evaluated 2026-01-19.

Conditions:
Jeune thoracic dystrophy. Also called: Jeune syndrome; Infantile thoracic dystrophy; Thoracic pelvic phalangeal dystrophy; Jeune's syndrome; Chondroectodermal dysplasia-like syndrome; Short-rib thoracic dysplasia. Identifiers: Orphanet 474, MedGen C0265275, MONDO:0018770.
Asphyxiating thoracic dystrophy 2 (SRTD2). Also called: SHORT-RIB THORACIC DYSPLASIA 2 WITH OR WITHOUT POLYDACTYLY; SHORT-RIB THORACIC DYSPLASIA 2 WITH POLYDACTYLY; SHORT-RIB THORACIC DYSPLASIA 2 WITHOUT POLYDACTYLY. Identifiers: Orphanet 474, MedGen C1970005, MONDO:0012644, OMIM 611263.

Submissions (3):

Labcorp Genetics (formerly Invitae), Labcorp
Classification: Pathogenic for Jeune thoracic dystrophy. Last evaluated: 2026-01-19. Review status: criteria provided, single submitter. Criteria: Invitae Variant Classification Sherloc (09022015). Collection method: clinical testing. Allele origin: germline.
Comment: This sequence change creates a premature translational stop signal (p.Met138Aspfs*3) in the IFT80 gene. It is expected to result in an absent or disrupted protein product. Loss-of-function variants in IFT80 are known to be pathogenic (PMID: 21227999, 23339108, 29068549). This variant is present in population databases (rs778324141, gnomAD 0.01%). This variant has not been reported in the literature in individuals affected with IFT80-related conditions. ClinVar contains an entry for this variant (Variation ID: 1330851). For these reasons, this variant has been classified as Pathogenic.

Fulgent Genetics
Classification: Likely pathogenic for Asphyxiating thoracic dystrophy 2. Last evaluated: 2024-06-21. Review status: criteria provided, single submitter. Criteria: ACMG Guidelines, 2015. Collection method: clinical testing. Allele origin: germline.

ARUP Laboratories, Molecular Genetics and Genomics, ARUP Laboratories
Classification: Likely pathogenic for Asphyxiating thoracic dystrophy 2. Last evaluated: 2021-09-03. Review status: criteria provided, single submitter. Criteria: ARUP Molecular Germline Variant Investigation Process 2021. Collection method: clinical testing. Allele origin: germline.
Comment: The IFT80 c.411dup; p.Met138Aspfs*3 variant (rs778324141), to our knowledge, is not reported in the medical literature or gene specific databases. This variant is found in the general population with an overall allele frequency of 0.002% (5/250,368 alleles) in the Genome Aggregation Database. This variant causes a frameshift by inserting a single nucleotide, so it is predicted to result in a truncated protein or mRNA subject to nonsense-mediated decay. Based on available information, this variant is considered to be likely pathogenic.

Literature cited by the submitters: PubMed 21227999 (cited by Labcorp Genetics (formerly Invitae), Labcorp); PubMed 23339108 (cited by Labcorp Genetics (formerly Invitae), Labcorp); PubMed 29068549 (cited by Labcorp Genetics (formerly Invitae), Labcorp).